The following is an entry in ClinVar:

NM_005157.6(ABL1):c.2703C>G (p.Pro901=)

Gene: ABL1 (ABL proto-oncogene 1, non-receptor tyrosine kinase; plus strand). Cytogenetic location: 9q34.12.
Variant type: single nucleotide variant.
Coding change: c.2703C>G on transcript NM_005157.6 (MANE Select); coding-DNA position 2703, C replaced by G.
Protein change: p.Pro901=; no amino-acid change (proline 901 retained).
Molecular consequence: synonymous variant.
Genome position (GRCh38, 1-based): chr9:130,884,993, C>G. VCF-style: chr9-130884993-C-G. GRCh37 (hg19) VCF-style: chr9-133760380-C-G.
Other names: c.2760C>G, p.Pro920= (NM_007313.3).
Identifiers: ClinVar variation 718763 (VCV000718763.35), dbSNP rs56017837, ClinGen allele CA5285749.
Genomic context (GRCh38, chr9:130,884,993, plus strand): 5'-CTCTGAGTCGCCAGGGAGGGACAAGGGGAAATTGTCCAGGCTCAAACCTGCCCCGCCGCC[C>G]CCACCAGCAGCCTCTGCAGGGAAGGCTGGAGGAAAGCCCTCGCAGAGCCCGAGCCAGGAG-3'
Protein context (NP_005148.2, residues 891-911): KLSRLKPAPP[Pro901=]PPAASAGKAG

ClinVar aggregate classification (germline): Benign/Likely benign. Review status: criteria provided, multiple submitters, no conflicts (2 of 4 stars). 4 submissions from 4 submitters: Benign (2); Likely benign (2). Last evaluated 2026-07-01.

Allele frequency attached by ClinVar (database versions not stated): 1000 Genomes Project 30x 0.00078; 1000 Genomes Project 0.00080; ESP Exome Variant Server 0.00109; TOPMed 0.00115; gnomAD 0.00124 and 0.00127; gnomAD exomes 0.00143 and 0.00145; ExAC 0.00154.
gnomAD v4.1: 2,301 of 1,611,578 alleles (0.14%); highest among the groups gnomAD compares: Middle Eastern, 0.28%; 5 homozygotes.

Submissions (4):

CeGaT Center for Human Genetics Tuebingen
Classification: Likely benign. Last evaluated: 2026-07-01. Review status: criteria provided, single submitter. Criteria: CeGaT Center For Human Genetics Tuebingen Variant Classification Criteria Version 2. Collection method: clinical testing. Allele origin: germline. Affected: yes. Observed: 6 variant alleles.
Comment: ABL1: BP4, BP7

Labcorp Genetics (formerly Invitae), Labcorp
Classification: Benign. Last evaluated: 2026-02-03. Review status: criteria provided, single submitter. Criteria: Invitae Variant Classification Sherloc (09022015). Collection method: clinical testing. Allele origin: germline.

Blueprint Genetics
Classification: Likely benign. Last evaluated: 2024-10-29. Review status: criteria provided, single submitter. Criteria: ACMG Guidelines, 2015. Collection method: clinical testing. Allele origin: germline.

Breakthrough Genomics
Classification: Benign. Review status: criteria provided, single submitter. Criteria: ACMG Guidelines, 2015. Collection method: not provided. Allele origin: germline. Inheritance: Autosomal dominant inheritance. Affected: yes.